The following is an entry in ClinVar:

NM_000553.6(WRN):c.1112A>C (p.Glu371Ala)

Gene: WRN (WRN RecQ like helicase; plus strand). Cytogenetic location: 8p12.
Variant type: single nucleotide variant.
Coding change: c.1112A>C on transcript NM_000553.6 (MANE Select); coding-DNA position 1112, A replaced by C.
Protein change: p.Glu371Ala; replaces glutamic acid 371 with alanine.
Molecular consequence: missense variant.
Genome position (GRCh38, 1-based): chr8:31,081,139, A>C. VCF-style: chr8-31081139-A-C. GRCh37 (hg19) VCF-style: chr8-30938655-A-C.
Other names: short protein forms E371A.
Identifiers: ClinVar variation 655104 (VCV000655104.4), dbSNP rs1585428033, ClinGen allele CA370920778.

ClinVar aggregate classification (germline): Uncertain significance (1 of 4 stars; one submission).

Conditions:
Werner syndrome (WRN). Identifiers: Orphanet 902, MedGen C0043119, MONDO:0010196, OMIM 277700.

Submission:

Labcorp Genetics (formerly Invitae), Labcorp
Classification: Uncertain significance for Werner syndrome. Last evaluated: 2018-11-07. Review status: criteria provided, single submitter. Criteria: Invitae Variant Classification Sherloc (09022015). Collection method: clinical testing. Allele origin: germline.
Comment: This sequence change replaces glutamic acid with alanine at codon 371 of the WRN protein (p.Glu371Ala). The glutamic acid residue is weakly conserved and there is a moderate physicochemical difference between glutamic acid and alanine. This variant is not present in population databases (ExAC no frequency). This variant has not been reported in the literature in individuals with WRN-related disease. Algorithms developed to predict the effect of missense changes on protein structure and function (SIFT, PolyPhen-2, Align-GVGD) all suggest that this variant is likely to be tolerated, but these predictions have not been confirmed by published functional studies and their clinical significance is uncertain. In summary, the available evidence is currently insufficient to determine the role of this variant in disease. Therefore, it has been classified as a Variant of Uncertain Significance.